The following is an entry in ClinVar:

NM_001164508.2(NEB):c.17635-4_17635-3dup

Gene: NEB (nebulin; minus strand). Cytogenetic location: 2q23.3.
Variant type: Duplication.
Coding change: c.17635-4_17635-3dup on transcript NM_001164508.2 (MANE Select); 4 bases into the intron before coding-DNA position 17635 through 3 bases into the intron before coding-DNA position 17635, 2 bases duplicated (TT; older notation c.17635-4_17635-3dupTT).
Molecular consequence: intron variant.
Genome position (GRCh38, 1-based): chr2:151,568,420-151,568,421, AA duplicated on the plus strand (TT on the coding strand, the reverse complement: NEB is on the minus strand); duplicating any 2 consecutive bases within chr2:151,568,420-151,568,432 gives the same sequence; the c. name uses the placement nearest the transcript's 3' end. VCF-style (leftmost placement, unchanged base first): chr2-151568419-T-TAA. GRCh37 (hg19) VCF-style: chr2-152424933-T-TAA.
Other names: p.?; c.12532-4_12532-3dup (NM_004543.5); c.17635-4_17635-3dup (NM_001164507.2, NM_001271208.2).
Identifiers: ClinVar variation 331464 (VCV000331464.15), dbSNP rs3214503, ClinGen allele CA1908148.
Genomic context (GRCh38, chr2:151,568,419, plus strand): 5'-GGGGTTTCTGTGAGGGTGTACTTTGATTTGGTGGCATTCCAGTCTTTCCGGTATTTAATC[T>TAA]AAAAAAAAAAAAATGAGAGGCAAGGGGGCAAGTTACTTGTTAAGAAAGCATCATGTTGTC-3'

ClinVar aggregate classification (germline): Benign/Likely benign. Review status: criteria provided, multiple submitters, no conflicts (2 of 4 stars). 3 submissions from 3 submitters: Benign (1); Likely benign (2). Last evaluated 2026-01-15.

Conditions:
Nemaline myopathy 2 (NEM2). Also called: Nemaline myopathy 2, autosomal recessive. Identifiers: MedGen C1850569, MONDO:0009725, OMIM 256030.

Submissions (3):

Labcorp Genetics (formerly Invitae), Labcorp
Classification: Benign for Nemaline myopathy 2. Last evaluated: 2026-01-15. Review status: criteria provided, single submitter. Criteria: Invitae Variant Classification Sherloc (09022015). Collection method: clinical testing. Allele origin: germline.

Blueprint Genetics
Classification: Likely benign. Last evaluated: 2024-11-26. Review status: criteria provided, single submitter. Criteria: ACMG Guidelines, 2015. Collection method: clinical testing. Allele origin: germline.

Mayo Clinic Laboratories, Mayo Clinic
Classification: Likely benign. Last evaluated: 2024-11-14. Review status: criteria provided, single submitter. Criteria: ACMG Guidelines, 2015. Collection method: clinical testing. Allele origin: germline. Observed: 4 variant alleles.
Comment: BS1, BP4, BP7